The following is an entry in ClinVar:

NM_000406.3(GNRHR):c.299T>G (p.Met100Arg)

Gene: GNRHR (gonadotropin releasing hormone receptor; minus strand). Cytogenetic location: 4q13.2.
Variant type: single nucleotide variant.
Coding change: c.299T>G on transcript NM_000406.3 (MANE Select); coding-DNA position 299, T replaced by G.
Protein change: p.Met100Arg; replaces methionine 100 with arginine.
Molecular consequence: missense variant.
Genome position (GRCh38, 1-based): chr4:67,754,037, A>C on the plus strand (T>G on the coding strand, the complement: GNRHR is on the minus strand). VCF-style: chr4-67754037-A-C. GRCh37 (hg19) VCF-style: chr4-68619755-A-C.
Other names: c.299T>G, p.Met100Arg (NM_001012763.2); short protein forms M100R.
Identifiers: ClinVar variation 3615934 (VCV003615934.3).

ClinVar aggregate classification (germline): Uncertain significance. Review status: criteria provided, multiple submitters, no conflicts (2 of 4 stars). 2 submissions from 2 submitters: Uncertain significance (2). Last evaluated 2025-05-30.

Conditions:
Hypogonadotropic hypogonadism 7 with or without anosmia (HH7). Also called: GNRHR-Related GnRH Deficiency; HYPOGONADOTROPIC HYPOGONADISM 7 WITHOUT ANOSMIA. Identifiers: Orphanet 432, MedGen C0342384, MONDO:0007794, OMIM 146110.

Submissions (2):

Laboratorio de Genética, Hospital Universitario Reina Sofía
Classification: Uncertain significance for Hypogonadotropic hypogonadism 7 with or without anosmia. Last evaluated: 2025-05-30. Review status: criteria provided, single submitter. Criteria: ACMG Guidelines, 2015. Collection method: clinical testing. Allele origin: unknown. Inheritance: Autosomal recessive inheritance. Affected: yes. Observed: 1 variant allele, 1 heterozygote.
Comment: This variant is best reported as Variant of Uncertain Significance (VUS) because NM_000406.3(GNRHR):c.299T>G meets PM1 (Moderate) (located in a mutational hot spot/critical functional domain per Franklin), PM2 (Moderate) (absent/very rare in population databases), and PP3 (Supporting) (in silico predictions support a deleterious effect), and although it was identified in the same individual together with a pathogenic GNRHR variant (NM_000406.3:c.785G>A), segregation/phasing has not been performed, so PM3 (in trans with a pathogenic variant for an autosomal recessive condition) cannot be applied and the finding cannot be used to upgrade classification; this is clinically important because contemporary CHH/KS literature shows that many previously reported variants (including in GNRHR) are downgraded when re-evaluated under ACMG/AMP, underscoring the need for phasing/segregation or functional evidence before upgrading a missense VUS

Labcorp Genetics (formerly Invitae), Labcorp
Classification: Uncertain significance. Last evaluated: 2024-04-04. Review status: criteria provided, single submitter. Criteria: Invitae Variant Classification Sherloc (09022015). Collection method: clinical testing. Allele origin: germline.
Comment: This sequence change replaces methionine, which is neutral and non-polar, with arginine, which is basic and polar, at codon 100 of the GNRHR protein (p.Met100Arg). This variant is not present in population databases (gnomAD no frequency). This variant has not been reported in the literature in individuals affected with GNRHR-related conditions. Advanced modeling of protein sequence and biophysical properties (such as structural, functional, and spatial information, amino acid conservation, physicochemical variation, residue mobility, and thermodynamic stability) performed at Invitae indicates that this missense variant is not expected to disrupt GNRHR protein function with a negative predictive value of 80%. In summary, the available evidence is currently insufficient to determine the role of this variant in disease. Therefore, it has been classified as a Variant of Uncertain Significance.